The following is an entry in ClinVar:

ClinVar aggregate classification (germline): Pathogenic/Likely pathogenic. Review status: criteria provided, multiple submitters, no conflicts (2 of 4 stars). 3 submissions from 3 submitters: Pathogenic (2); Likely pathogenic (1). Last evaluated 2026-02-11.

Conditions:
DYNC2H1-related disorder. Also called: DYNC2H1-related condition; DYNC2H1-related disorders. Identifiers: MedGen CN378770.
Asphyxiating thoracic dystrophy 3. Also called: SHORT-RIB THORACIC DYSPLASIA 3/6 WITH POLYDACTYLY, DIGENIC; Saldino-Noonan Syndrome; SHORT-RIB THORACIC DYSPLASIA 3 WITH OR WITHOUT POLYDACTYLY; POLYDACTYLY WITH NEONATAL CHONDRODYSTROPHY, TYPE I; Short rib polydactyly syndrome 2B. Identifiers: Orphanet 474, Orphanet 93269, Orphanet 93270, Orphanet 93271, MedGen C0036069, MONDO:0013127, OMIM 613091.
Jeune thoracic dystrophy. Also called: Jeune syndrome; Infantile thoracic dystrophy; Thoracic pelvic phalangeal dystrophy; Jeune's syndrome; Chondroectodermal dysplasia-like syndrome; Short-rib thoracic dysplasia. Identifiers: Orphanet 474, MedGen C0265275, MONDO:0018770.

gnomAD v4.1: 2 of 1,611,548 alleles (0.00012%); highest among the groups gnomAD compares: Admixed American, 0.0017%; no homozygotes.

Submissions (3):

PreventionGenetics, part of Exact Sciences
Classification: Likely pathogenic for DYNC2H1-related condition. Last evaluated: 2026-02-11. Review status: criteria provided, single submitter. Criteria: ACMG Guidelines, 2015. Collection method: clinical testing. Allele origin: germline.
Comment: The DYNC2H1 c.10225C>T variant is predicted to result in premature protein termination (p.Gln3409*). To our knowledge, this variant has not been reported in the literature. This variant is reported in 0.0029% of alleles in individuals of Latino descent in gnomAD. Nonsense variants in DYNC2H1 are expected to be pathogenic. This variant is interpreted as likely pathogenic.

Myriad Genetics, Inc.
Classification: Pathogenic for Asphyxiating thoracic dystrophy 3. Last evaluated: 2024-07-21. Review status: criteria provided, single submitter. Criteria: Myriad Autosomal Dominant, Autosomal Recessive and X-Linked Classification Criteria (2023). Collection method: clinical testing. Allele origin: unknown.
Comment: NM_001377.2(DYNC2H1):c.10204C>T(Q3402*) is expected to be pathogenic in the context of DYNC2H1-related disorders. This variant is predicted to lead to an abnormal or absent protein product due to the creation of a premature termination codon in DYNC2H1, a gene where loss-of-function variants are known to be pathogenic. Please note: this variant was assessed in the context of healthy population screening.

Labcorp Genetics (formerly Invitae), Labcorp
Classification: Pathogenic for Jeune thoracic dystrophy. Last evaluated: 2024-03-03. Review status: criteria provided, single submitter. Criteria: Invitae Variant Classification Sherloc (09022015). Collection method: clinical testing. Allele origin: germline.
Comment: This sequence change creates a premature translational stop signal (p.Gln3409*) in the DYNC2H1 gene. It is expected to result in an absent or disrupted protein product. Loss-of-function variants in DYNC2H1 are known to be pathogenic (PMID: 23339108, 32753734, 33755199). This variant is present in population databases (rs768895449, gnomAD 0.003%). This variant has not been reported in the literature in individuals affected with DYNC2H1-related conditions. Algorithms developed to predict the effect of sequence changes on RNA splicing suggest that this variant may disrupt the consensus splice site. For these reasons, this variant has been classified as Pathogenic.

Literature cited by the submitters: PubMed 23339108 (cited by Labcorp Genetics (formerly Invitae), Labcorp); PubMed 32753734 (cited by Labcorp Genetics (formerly Invitae), Labcorp); PubMed 33755199 (cited by Labcorp Genetics (formerly Invitae), Labcorp).

NM_001377.3(DYNC2H1):c.10204C>T (p.Gln3402Ter)

Gene: DYNC2H1 (dynein cytoplasmic 2 heavy chain 1; plus strand). Cytogenetic location: 11q22.3.
Variant type: single nucleotide variant.
Coding change: c.10204C>T on transcript NM_001377.3 (MANE Select); coding-DNA position 10204, C replaced by T.
Protein change: p.Gln3402Ter; replaces glutamine 3402 with a stop codon.
Molecular consequence: nonsense.
Genome position (GRCh38, 1-based): chr11:103,253,446, C>T. VCF-style: chr11-103253446-C-T. GRCh37 (hg19) VCF-style: chr11-103124175-C-T.
Other names: c.10225C>T (NM_001080463.1); c.10225C>T, p.Gln3409Ter (NM_001080463.2); short protein forms Q3409*, Q3402*.
Identifiers: ClinVar variation 3711746 (VCV003711746.4).
Genomic context (GRCh38, chr11:103,253,446, plus strand): 5'-GATGCAGCTTCCATTGTTACTGAGGTTAACTTTACTACAACAAGAAGTGGATTACGAGGG[C>T]AGGTATACATAGATAATAATAATTTACCTTGGAATCTTTTCGAGCTTTATATACCTATTA-3'